The following is an entry in ClinVar:

ClinVar aggregate classification (germline): Likely benign (1 of 4 stars; one submission).

Submission:

CeGaT Center for Human Genetics Tuebingen
Classification: Likely benign. Last evaluated: 2024-09-01. Review status: criteria provided, single submitter. Criteria: CeGaT Center For Human Genetics Tuebingen Variant Classification Criteria Version 2. Collection method: clinical testing. Allele origin: germline. Affected: yes. Observed: 1 variant allele.
Comment: SRPX2: BP4

NM_014467.3(SRPX2):c.1237C>T (p.Arg413Cys)

Gene: SRPX2 (sushi repeat containing protein X-linked 2; plus strand). Cytogenetic location: Xq22.1.
Variant type: single nucleotide variant.
Coding change: c.1237C>T on transcript NM_014467.3 (MANE Select); coding-DNA position 1237, C replaced by T.
Protein change: p.Arg413Cys; replaces arginine 413 with cysteine.
Molecular consequence: missense variant.
Genome position (GRCh38, 1-based): chrX:100,670,826, C>T. VCF-style: chrX-100670826-C-T. GRCh37 (hg19) VCF-style: chrX-99925823-C-T.
Other names: short protein forms R413C.
Identifiers: ClinVar variation 3388143 (VCV003388143.14).